The following is an entry in ClinVar:

ClinVar aggregate classification (germline): Uncertain significance (1 of 4 stars; one submission).

gnomAD v4.1: 1 of 1,610,108 alleles (0.000062%); highest among the groups gnomAD compares: East Asian, 0.0022%; no homozygotes.

Submission:

GeneDx
Classification: Uncertain significance. Last evaluated: 2024-06-17. Review status: criteria provided, single submitter. Criteria: GeneDx Variant Classification Process June 2021. Collection method: clinical testing. Allele origin: germline. Affected: yes.
Comment: Not observed at significant frequency in large population cohorts (gnomAD); In silico analysis supports that this missense variant has a deleterious effect on protein structure/function; Has not been previously published as pathogenic or benign to our knowledge

NM_052867.4(NALCN):c.1996T>A (p.Phe666Ile)

Gene: NALCN (sodium leak channel, non-selective; minus strand). Cytogenetic location: 13q33.1.
Variant type: single nucleotide variant.
Coding change: c.1996T>A on transcript NM_052867.4 (MANE Select); coding-DNA position 1996, T replaced by A.
Protein change: p.Phe666Ile; replaces phenylalanine 666 with isoleucine.
Molecular consequence: missense variant.
Genome position (GRCh38, 1-based): chr13:101,143,202, A>T on the plus strand (T>A on the coding strand, the complement: NALCN is on the minus strand). VCF-style: chr13-101143202-A-T. GRCh37 (hg19) VCF-style: chr13-101795553-A-T.
Other names: c.1996T>A, p.Phe666Ile (NM_001350748.2, NM_001350749.2); c.1909T>A, p.Phe637Ile (NM_001350750.2, NM_001350751.2); short protein forms F637I, F666I.
Identifiers: ClinVar variation 3391597 (VCV003391597.1).
Genomic context (GRCh38, chr13:101,143,202, plus strand): 5'-AAGAGGTGGTCGGGAGGCTTCTCAGGAGGCAACATGTGTCCTGTTGCTGGCGGTCAATAA[A>T]CTGCTTCATAAAACTCTCCCTTTGCAAATGAAGTATATGTGCATCAGGCATTATTAGTGG-3'
Protein context (NP_443099.1, residues 656-676): PKIRESFMKQ[Phe666Ile]IDRQQQDTCC